The following is an entry in ClinVar:

ClinVar aggregate classification (germline): Uncertain significance. Review status: criteria provided, multiple submitters, no conflicts (2 of 4 stars). 2 submissions from 2 submitters: Uncertain significance (2). Last evaluated 2026-05-14.

Allele frequency attached by ClinVar (database versions not stated): gnomAD 0.00001; gnomAD exomes 0.00002 and 0.00001; TOPMed 0.00003; ExAC 0.00001.
gnomAD v4.1: 9 of 1,612,944 alleles (0.00056%); highest among the groups gnomAD compares: Admixed American, 0.0017%; no homozygotes.

Submissions (2):

Ambry Genetics
Classification: Uncertain significance. Last evaluated: 2026-05-14. Review status: criteria provided, single submitter. Criteria: Ambry Variant Classification Scheme 2023. Collection method: clinical testing. Allele origin: germline.

Labcorp Genetics (formerly Invitae), Labcorp
Classification: Uncertain significance. Last evaluated: 2024-06-30. Review status: criteria provided, single submitter. Criteria: Invitae Variant Classification Sherloc (09022015). Collection method: clinical testing. Allele origin: germline.
Comment: This sequence change replaces serine, which is neutral and polar, with asparagine, which is neutral and polar, at codon 3057 of the HMCN1 protein (p.Ser3057Asn). This variant is present in population databases (rs754932740, gnomAD 0.004%). This variant has not been reported in the literature in individuals affected with HMCN1-related conditions. ClinVar contains an entry for this variant (Variation ID: 1402134). An algorithm developed to predict the effect of missense changes on protein structure and function (PolyPhen-2) suggests that this variant is likely to be disruptive. In summary, the available evidence is currently insufficient to determine the role of this variant in disease. Therefore, it has been classified as a Variant of Uncertain Significance.

NM_031935.3(HMCN1):c.9170G>A (p.Ser3057Asn)

Gene: HMCN1 (hemicentin 1; plus strand). Cytogenetic location: 1q31.1.
Variant type: single nucleotide variant.
Coding change: c.9170G>A on transcript NM_031935.3 (MANE Select); coding-DNA position 9170, G replaced by A.
Protein change: p.Ser3057Asn; replaces serine 3057 with asparagine.
Molecular consequence: missense variant.
Genome position (GRCh38, 1-based): chr1:186,087,452, G>A. VCF-style: chr1-186087452-G-A. GRCh37 (hg19) VCF-style: chr1-186056584-G-A.
Other names: c.9170G>A (NM_031935.2); short protein forms S3057N.
Identifiers: ClinVar variation 1402134 (VCV001402134.8), dbSNP rs754932740, ClinGen allele CA1293349.